The following is an entry in ClinVar:

ClinVar aggregate classification (germline): Conflicting classifications of pathogenicity. Review status: criteria provided, conflicting classifications (1 of 4 stars). 3 submissions from 3 submitters: Uncertain significance (1); Likely benign (2). Last evaluated 2022-07-08.

Conditions:
Inborn genetic diseases. Identifiers: MedGen C0950123, MeSH D030342.
Hyperphosphatasia with intellectual disability syndrome 5 (GPIBD11). Also called: GLYCOSYLPHOSPHATIDYLINOSITOL BIOSYNTHESIS DEFECT 11. Identifiers: Orphanet 247262, MedGen C4014958, MONDO:0014457, OMIM 616025.

Allele frequency attached by ClinVar (database versions not stated): gnomAD 0.00001; gnomAD exomes 0.00001; TOPMed 0.00001; ExAC 0.00002.
gnomAD v4.1: 17 of 1,613,962 alleles (0.0011%); highest among the groups gnomAD compares: East Asian, 0.0022%; no homozygotes.

Submissions (3):

Labcorp Genetics (formerly Invitae), Labcorp
Classification: Uncertain significance for Hyperphosphatasia with intellectual disability syndrome 5. Last evaluated: 2022-07-08. Review status: criteria provided, single submitter. Criteria: Invitae Variant Classification Sherloc (09022015). Collection method: clinical testing. Allele origin: germline.
Comment: This sequence change replaces alanine, which is neutral and non-polar, with valine, which is neutral and non-polar, at codon 138 of the PIGW protein (p.Ala138Val). This variant is present in population databases (rs761046219, gnomAD 0.003%). This variant has not been reported in the literature in individuals affected with PIGW-related conditions. Algorithms developed to predict the effect of missense changes on protein structure and function output the following: SIFT: "Tolerated"; PolyPhen-2: "Benign"; Align-GVGD: "Class C0". The valine amino acid residue is found in multiple mammalian species, which suggests that this missense change does not adversely affect protein function. In summary, the available evidence is currently insufficient to determine the role of this variant in disease. Therefore, it has been classified as a Variant of Uncertain Significance.

Ambry Genetics
Classification: Likely benign for Inborn genetic diseases. Last evaluated: 2021-12-13. Review status: criteria provided, single submitter. Criteria: Ambry Variant Classification Scheme 2023. Collection method: clinical testing. Allele origin: germline.

Blueprint Genetics
Classification: Likely benign. Last evaluated: 2021-10-06. Review status: criteria provided, single submitter. Criteria: ACMG Guidelines, 2015. Collection method: clinical testing. Allele origin: germline.

NM_001346754.2(PIGW):c.413C>T (p.Ala138Val)

Genes: MYO19 (myosin XIX; minus strand), PIGW (phosphatidylinositol glycan anchor biosynthesis class W; plus strand). Cytogenetic location: 17q12.
Variant type: single nucleotide variant.
Coding change: c.413C>T on transcript NM_001346754.2 (MANE Select); coding-DNA position 413, C replaced by T.
Protein change: p.Ala138Val; replaces alanine 138 with valine.
Molecular consequence: missense variant.
Genome position (GRCh38, 1-based): chr17:36,537,514, C>T. VCF-style: chr17-36537514-C-T. GRCh37 (hg19) VCF-style: chr17-34893363-C-T.
Other names: c.413C>T, p.Ala138Val (NM_001346755.2, NM_178517.5); short protein forms A138V.
Identifiers: ClinVar variation 1914169 (VCV001914169.4), dbSNP rs761046219, ClinGen allele CA290115920.